The following is an entry in ClinVar:

NM_000182.5(HADHA):c.1811del (p.Gly604fs)

Genes: HADHA (hydroxyacyl-CoA dehydrogenase trifunctional multienzyme complex subunit alpha; minus strand), GAREM2 (GRB2 associated regulator of MAPK1 subtype 2; plus strand). Cytogenetic location: 2p23.3.
Variant type: Deletion.
Coding change: c.1811del on transcript NM_000182.5 (MANE Select); coding-DNA position 1811, one base deleted (G; older notation c.1811delG).
Protein change: p.Gly604fs; shifts the reading frame from glycine 604.
Molecular consequence: frameshift variant.
Genome position (GRCh38, 1-based): chr2:26,193,651, C deleted on the plus strand (G on the coding strand, the reverse complement: HADHA is on the minus strand); the first of 3 consecutive C bases (chr2:26,193,651-26,193,653); deleting any one gives the same sequence. VCF-style (leftmost placement, unchanged base first): chr2-26193650-GC-G. GRCh37 (hg19) VCF-style: chr2-26416519-GC-G.
Other names: c.1811delG (NM_000182.5); short protein forms G604fs.
Identifiers: ClinVar variation 370726 (VCV000370726.18), dbSNP rs747985669, ClinGen allele CA1559453.

ClinVar aggregate classification (germline): Pathogenic/Likely pathogenic. Review status: criteria provided, multiple submitters, no conflicts (2 of 4 stars). 8 submissions from 8 submitters: Pathogenic (6); Likely pathogenic (1). 1 of the submissions does not count toward it. Last evaluated 2025-11-06.

Conditions:
Mitochondrial trifunctional protein deficiency. Identifiers: Orphanet 746, MedGen C1969443, MONDO:0012172.
Long chain 3-hydroxyacyl-CoA dehydrogenase deficiency. Also called: LCHAD Deficiency; Deficiency of long-chain 3-hydroxyacyl-coenzyme A dehydrogenase. Identifiers: Orphanet 5, MedGen C3711645, MONDO:0012173, OMIM 609016.

Submissions (8):

Natera, Inc.
Classification: Pathogenic for Deficiency of long-chain 3-hydroxyacyl-coenzyme A dehydrogenase. Last evaluated: 2025-11-06. Review status: criteria provided, single submitter. Criteria: Natera Variant Classification Schema (03/2026). Collection method: clinical testing. Allele origin: germline.
Comment: The c.1811delG variant in HADHA is a frameshift variant predicted to shift the reading frame beginning at codon 604 and leads to a stop codon 16 codons downstream. This variant is expected to result in nonsense mediated decay, truncation, or a dysfunctional protein product. This variant is rare in the general population with a frequency below the threshold expected for the associated phenotype(s). This variant has been observed in one or more individuals affected with the associated recessive disease, as either homozygous or compound heterozygous with a second variant (PMID: 34570182). Given the available evidence, this variant is classified as Pathogenic.

Women's Health and Genetics/Laboratory Corporation of America, LabCorp
Classification: Pathogenic for Long chain 3-hydroxyacyl-CoA dehydrogenase deficiency. Last evaluated: 2025-04-28. Review status: criteria provided, single submitter. Criteria: LabCorp Variant Classification Summary - May 2015. Collection method: clinical testing. Allele origin: germline.
Comment: Variant summary: HADHA c.1811delG (p.Gly604AlafsX16) results in a premature termination codon, predicted to cause a truncation of the encoded protein or absence of the protein due to nonsense mediated decay, which are commonly known mechanisms for disease. The variant allele was found at a frequency of 4e-06 in 251482 control chromosomes. To our knowledge, no occurrence of c.1811delG in individuals affected with Long Chain 3-Hydroxyacyl-CoA Dehydrogenase Deficiency and no experimental evidence demonstrating its impact on protein function have been reported. ClinVar contains an entry for this variant (Variation ID: 370726). Based on the evidence outlined above, the variant was classified as pathogenic.

Victorian Clinical Genetics Services, Murdoch Childrens Research Institute
Classification: Pathogenic for Long chain 3-hydroxyacyl-CoA dehydrogenase deficiency. Last evaluated: 2024-09-22. Review status: criteria provided, single submitter. Criteria: ACMG Guidelines, 2015. Collection method: clinical testing. Allele origin: germline. Inheritance: Autosomal recessive inheritance. Affected: yes.
Comment: Based on the classification scheme VCGS_Germline_v1.3.4, this variant is classified as Pathogenic. Following criteria are met: 0102 - Loss of function is a known mechanism of disease in this gene and is associated with LCHAD deficiency, (MIM#609016) and mitochondrial trifunctional protein (TFP) deficiency (MIM#609015). (I) 0106 - This gene is associated with autosomal recessive disease. There is currently no genotype-phenotype correlation distinguishing LCHAD and TFP deficiency; enzymatic assay will be required. (I) 0201 - Variant is predicted to cause nonsense-mediated decay (NMD) and loss of protein (premature termination codon is located at least 54 nucleotides upstream of the final exon-exon junction). (SP) 0251 - This variant is heterozygous. (I) 0304 - Variant is present in gnomAD (v2) <0.01 for a recessive condition (1 heterozygote, 0 homozygotes). (SP) 0701 - Other NMD predicted variants comparable to the one identified in this case have very strong previous evidence for pathogenicity (DECIPHER). (SP) 0801 - This variant has strong previous evidence of pathogenicity in unrelated individuals. This variant has been classified as pathogenic or likely pathogenic by multiple clinical laboratories in ClinVar. (SP) 1207 - Parental origin of the variant is unresolved. (I) Legend: (SP) - Supporting pathogenic, (I) - Information, (SB) - Supporting benign

Baylor Genetics
Classification: Likely pathogenic for Long chain 3-hydroxyacyl-CoA dehydrogenase deficiency. Last evaluated: 2023-04-22. Review status: criteria provided, single submitter. Criteria: ACMG Guidelines, 2015. Collection method: clinical testing. Allele origin: unknown.

Labcorp Genetics (formerly Invitae), Labcorp
Classification: Pathogenic for Mitochondrial trifunctional protein deficiency; Long chain 3-hydroxyacyl-CoA dehydrogenase deficiency. Last evaluated: 2023-03-18. Review status: criteria provided, single submitter. Criteria: Invitae Variant Classification Sherloc (09022015). Collection method: clinical testing. Allele origin: germline.
Comment: This sequence change creates a premature translational stop signal (p.Gly604Alafs*16) in the HADHA gene. It is expected to result in an absent or disrupted protein product. Loss-of-function variants in HADHA are known to be pathogenic (PMID: 7738175, 21103935, 21549624, 22459206). This variant is present in population databases (rs747985669, gnomAD 0.003%). This variant has not been reported in the literature in individuals affected with HADHA-related conditions. ClinVar contains an entry for this variant (Variation ID: 370726). For these reasons, this variant has been classified as Pathogenic.

Genetics and Molecular Pathology, SA Pathology
Classification: Pathogenic for Mitochondrial trifunctional protein deficiency 1. Last evaluated: 2021-03-04. Review status: criteria provided, single submitter. Criteria: ACMG Guidelines, 2015. Collection method: clinical testing. Allele origin: germline. Inheritance: Autosomal recessive inheritance. Affected: yes.
Comment: The HADHA c.1811delG variant is classified as Pathogenic (PVS1, PM2, PP5) The HADHA c.1811del variant is a single nucleotide deletion in exon 11 of 20 which is predicted to create a frameshift at position 604 in the protein, causing a premature termination codon 16 amino acids downstream (PVS1). The variant is in dbSNP (rs747985669) and is present at a low frequency in population databases (gnomAD 1 het/251482, 0 homozygotes) (PM2). The variant has been reported in the ClinVar database as pathogenic by another diagnostic laboratory (Variation ID 370726) (PP5).

GeneDx
Classification: Pathogenic. Last evaluated: 2018-09-14. Review status: criteria provided, single submitter. Criteria: GeneDx Variant Classification (06012015). Collection method: clinical testing. Allele origin: germline. Affected: yes.
Comment: The c.1811delG variant in the HADHA gene causes a frameshift starting with codon Glycine 604, changes this amino acid to an Alanine residue and creates a premature Stop codon at position 16 of the new reading frame, denoted p.Gly604AlafsX16. This variant is predicted to cause loss of normal protein function either through protein truncation or nonsense-mediated mRNA decay. The c.1811delG variant was not observed in approximately 6500 individuals of European and African American ancestry in the NHLBI Exome Sequencing Project, indicating it is not a common benign variant in these populations.

Counsyl
Classification: Likely pathogenic for Long chain 3-hydroxyacyl-CoA dehydrogenase deficiency. Last evaluated: 2016-04-01. Review status: no assertion criteria provided. Collection method: clinical testing. Allele origin: unknown. Not counted in ClinVar's aggregate classification.

Literature cited by the submitters: PubMed 34570182 (cited by Natera, Inc.); PubMed 7738175 (cited by Labcorp Genetics (formerly Invitae), Labcorp); PubMed 21103935 (cited by Labcorp Genetics (formerly Invitae), Labcorp); PubMed 21549624 (cited by Labcorp Genetics (formerly Invitae), Labcorp); PubMed 22459206 (cited by Labcorp Genetics (formerly Invitae), Labcorp).